The following is an entry in ClinVar:

ClinVar aggregate classification (germline): Uncertain significance. Review status: criteria provided, multiple submitters, no conflicts (2 of 4 stars). 2 submissions from 2 submitters: Uncertain significance (2). Last evaluated 2022-09-27.

Conditions:
Epileptic encephalopathy. Identifiers: MedGen C0543888, HP:0200134.

Allele frequency attached by ClinVar (database versions not stated): 1000 Genomes Project below 0.00001; gnomAD 0.00043 and 0.00046; TOPMed 0.00047; gnomAD exomes 0.00048 and 0.00053; ExAC 0.00049; ESP Exome Variant Server 0.00065.
gnomAD v4.1: 825 of 1,613,158 alleles (0.051%); highest among the groups gnomAD compares: Non-Finnish European, 0.067%; no homozygotes.

Submissions (2):

Labcorp Genetics (formerly Invitae), Labcorp
Classification: Uncertain significance for Epileptic encephalopathy. Last evaluated: 2022-09-27. Review status: criteria provided, single submitter. Criteria: Invitae Variant Classification Sherloc (09022015). Collection method: clinical testing. Allele origin: germline.
Comment: ClinVar contains an entry for this variant (Variation ID: 565911). This sequence change replaces alanine, which is neutral and non-polar, with threonine, which is neutral and polar, at codon 2284 of the RYR3 protein (p.Ala2284Thr). This variant is present in population databases (rs201633381, gnomAD 0.1%), and has an allele count higher than expected for a pathogenic variant. This variant has not been reported in the literature in individuals affected with RYR3-related conditions. Advanced modeling of protein sequence and biophysical properties (such as structural, functional, and spatial information, amino acid conservation, physicochemical variation, residue mobility, and thermodynamic stability) has been performed at Invitae for this missense variant, however the output from this modeling did not meet the statistical confidence thresholds required to predict the impact of this variant on RYR3 protein function. In summary, the available evidence is currently insufficient to determine the role of this variant in disease. Therefore, it has been classified as a Variant of Uncertain Significance.

Center for Genomics, Ann and Robert H. Lurie Children's Hospital of Chicago
Classification: Uncertain significance. Last evaluated: 2022-05-18. Review status: criteria provided, single submitter. Criteria: ACMG Guidelines, 2015. Collection method: clinical testing. Allele origin: germline.
Comment: This variant has not been reported in the literature but is present in the Genome Aggregation Database (Highest reported MAF 0.08% (60/68048). This variant is present in ClinVar (Variation ID:565911). Evolutionary conservation and computational predictive tools suggest that this variant may impact the protein. In summary, data on this variant is insufficient for disease classification. Therefore, the clinical significance of this variant is uncertain.

NM_001036.6(RYR3):c.6850G>A (p.Ala2284Thr)

Gene: RYR3 (ryanodine receptor 3; plus strand). Cytogenetic location: 15q14.
Variant type: single nucleotide variant.
Coding change: c.6850G>A on transcript NM_001036.6 (MANE Select); coding-DNA position 6850, G replaced by A.
Protein change: p.Ala2284Thr; replaces alanine 2284 with threonine.
Molecular consequence: missense variant.
Genome position (GRCh38, 1-based): chr15:33,724,114, G>A. VCF-style: chr15-33724114-G-A. GRCh37 (hg19) VCF-style: chr15-34016315-G-A.
Other names: c.6850G>A, p.Ala2284Thr (NM_001243996.4); short protein forms A2284T.
Identifiers: ClinVar variation 565911 (VCV000565911.12), dbSNP rs201633381, ClinGen allele CA7459705.